The following is an entry in ClinVar:

NM_001111125.3(IQSEC2):c.713A>T (p.Asp238Val)

Gene: IQSEC2 (IQ motif and Sec7 domain ArfGEF 2; minus strand). Cytogenetic location: Xp11.22.
Variant type: single nucleotide variant.
Coding change: c.713A>T on transcript NM_001111125.3 (MANE Select); coding-DNA position 713, A replaced by T.
Protein change: p.Asp238Val; replaces aspartic acid 238 with valine.
Molecular consequence: missense variant.
Genome position (GRCh38, 1-based): chrX:53,291,919, T>A on the plus strand (A>T on the coding strand, the complement: IQSEC2 is on the minus strand). VCF-style: chrX-53291919-T-A. GRCh37 (hg19) VCF-style: chrX-53321101-T-A.
Other names: short protein forms D238V.
Identifiers: ClinVar variation 1683957 (VCV001683957.2), dbSNP rs2146425989, ClinGen allele CA413238708.

ClinVar aggregate classification (germline): Uncertain significance (1 of 4 stars; one submission).

Submission:

GeneDx
Classification: Uncertain significance. Last evaluated: 2021-11-04. Review status: criteria provided, single submitter. Criteria: GeneDx Variant Classification Process June 2021. Collection method: clinical testing. Allele origin: germline. Affected: yes.
Comment: Has not been previously published as pathogenic or benign to our knowledge; Not observed at significant frequency in large population cohorts (gnomAD); In silico analysis supports that this missense variant does not alter protein structure/function